The following is an entry in ClinVar:

NM_138694.4(PKHD1):c.11312_11324del (p.Asn3771fs)

Gene: PKHD1 (PKHD1 ciliary IPT domain containing fibrocystin/polyductin; minus strand). Cytogenetic location: 6p12.3.
Variant type: Deletion.
Coding change: c.11312_11324del on transcript NM_138694.4 (MANE Select); coding-DNA positions 11312 to 11324, 13 bases deleted (ATCGAAGAGTAGA).
Protein change: p.Asn3771fs; shifts the reading frame from asparagine 3771.
Molecular consequence: frameshift variant, splice acceptor variant.
Genome position (GRCh38, 1-based): chr6:51,648,105-51,648,117, TCTACTCTTCGAT deleted on the plus strand (ATCGAAGAGTAGA on the coding strand, the reverse complement: PKHD1 is on the minus strand). VCF-style (leftmost placement, unchanged base first): chr6-51648104-CTCTACTCTTCGAT-C. GRCh37 (hg19) VCF-style: chr6-51512902-CTCTACTCTTCGAT-C.
Other names: short protein forms N3771fs.
Identifiers: ClinVar variation 1333714 (VCV001333714.1), ClinGen allele CA2573052701.
Genomic context (GRCh38, chr6:51,648,104, plus strand): 5'-GTCTGATGCTCCTTCCAGGGAAGCTGAAATTGTCCATGGCTCTGAAGGAGGTCCCAGGGA[CTCTACTCTTCGAT>C]TCTAGAAATGGGAATAGGAGGAGGGAGGAAGAAAAAGTTGGATTCAGAAGAGAATTTTGT-3'

ClinVar aggregate classification (germline): Likely pathogenic (1 of 4 stars; one submission).

Conditions:
Polycystic kidney disease 4 (PKD4). Also called: POLYCYSTIC KIDNEY AND HEPATIC DISEASE 1; POLYCYSTIC KIDNEY DISEASE, INFANTILE, TYPE I; PKD3; POLYCYSTIC KIDNEY DISEASE 4 WITH OR WITHOUT POLYCYSTIC LIVER DISEASE; Autosomal Recessive Polycystic Kidney Disease – PKHD1. Identifiers: MedGen C4540575, MONDO:0033004, OMIM 263200.

Submission:

3billion
Classification: Likely pathogenic for Polycystic kidney disease 4. Last evaluated: 2022-01-03. Review status: criteria provided, single submitter. Criteria: ACMG Guidelines, 2015. Collection method: clinical testing. Allele origin: germline. Affected: yes. Observed: 1 heterozygote.
Comment: Frameshift: predicted to result in a loss or disruption of normal protein function through nonsense-mediated decay (NMD) or protein truncation. Multiple pathogenic variants are reported downstream of the variant (PVS1_VS). It is not observed in the gnomAD v2.1.1 dataset (PM2_M). Therefore, this variant is classified as likely pathogenic according to the recommendation of ACMG/AMP guideline.